The following is an entry in ClinVar:

ClinVar aggregate classification (germline): Uncertain significance (1 of 4 stars; one submission).

Conditions:
Retinoblastoma (RB1). Also called: RETINOBLASTOMA, SOMATIC. Identifiers: Orphanet 790, MedGen C0035335, MeSH D012175, MONDO:0008380, OMIM 180200, HP:0009919. Disease mechanism: loss of function. Inheritance: Both sporadic and heritable forms are tested..

Submission:

Genetic Diagnostic Laboratory, University of Pennsylvania School of Medicine
Classification: Uncertain significance for Retinoblastoma. Last evaluated: 2024-05-20. Review status: criteria provided, single submitter. Criteria: ACMG Guidelines, 2015. Collection method: clinical testing. Allele origin: germline. Affected: yes. Observed: 1 variant allele.
Comment: Case and Pedigree Information: BILATERAL CASES:1, UNILATERAL CASES:0, TOTAL CASES:1, PEDIGREES:1. ACMG Codes Applied:PM2

NM_000321.3(RB1):c.861+3A>C

Gene: RB1 (RB transcriptional corepressor 1; plus strand). Cytogenetic location: 13q14.2.
Variant type: single nucleotide variant.
Coding change: c.861+3A>C on transcript NM_000321.3 (MANE Select); 3 bases into the intron after coding-DNA position 861, A replaced by C.
Molecular consequence: intron variant.
Genome position (GRCh38, 1-based): chr13:48,362,960, A>C. VCF-style: chr13-48362960-A-C. GRCh37 (hg19) VCF-style: chr13-48937096-A-C.
Other names: c.861+3A>C (NM_001407165.1, NM_001407166.1).
Identifiers: ClinVar variation 3236932 (VCV003236932.1), dbSNP rs2138112903.
Genomic context (GRCh38, chr13:48,362,960, plus strand): 5'-AAATGATACAAGAATTATTGAAGTTCTCTGTAAAGAACATGAATGTAATATAGATGAGGT[A>C]ATTTAACTTCATGATTTCTTTAAAACAGTTAAAGTAGATTTAGATGTAAGTTCTCCCTAA-3'